The following is an entry in ClinVar:

NM_020247.5(COQ8A):c.1018T>G (p.Ser340Ala)

Gene: COQ8A (coenzyme Q8A; plus strand). Cytogenetic location: 1q42.13.
Variant type: single nucleotide variant.
Coding change: c.1018T>G on transcript NM_020247.5 (MANE Select); coding-DNA position 1018, T replaced by G.
Protein change: p.Ser340Ala; replaces serine 340 with alanine.
Molecular consequence: missense variant.
Genome position (GRCh38, 1-based): chr1:226,982,972, T>G. VCF-style: chr1-226982972-T-G. GRCh37 (hg19) VCF-style: chr1-227170673-T-G.
Other names: short protein forms S340A.
Identifiers: ClinVar variation 1409066 (VCV001409066.6), dbSNP rs2148127790, ClinGen allele CA345052957.

ClinVar aggregate classification (germline): Uncertain significance (1 of 4 stars; one submission).

Submission:

Labcorp Genetics (formerly Invitae), Labcorp
Classification: Uncertain significance. Last evaluated: 2021-12-02. Review status: criteria provided, single submitter. Criteria: Invitae Variant Classification Sherloc (09022015). Collection method: clinical testing. Allele origin: germline.
Comment: In summary, the available evidence is currently insufficient to determine the role of this variant in disease. Therefore, it has been classified as a Variant of Uncertain Significance. Algorithms developed to predict the effect of sequence changes on RNA splicing suggest that this variant may create or strengthen a splice site. Advanced modeling of protein sequence and biophysical properties (such as structural, functional, and spatial information, amino acid conservation, physicochemical variation, residue mobility, and thermodynamic stability) performed at Invitae indicates that this missense variant is expected to disrupt COQ8A protein function. This variant has not been reported in the literature in individuals affected with COQ8A-related conditions. This variant is not present in population databases (gnomAD no frequency). This sequence change replaces serine, which is neutral and polar, with alanine, which is neutral and non-polar, at codon 340 of the COQ8A protein (p.Ser340Ala).